The following is an entry in ClinVar:

ClinVar aggregate classification (germline): Uncertain significance (1 of 4 stars; one submission).

Submission:

GeneDx
Classification: Uncertain significance. Last evaluated: 2019-07-11. Review status: criteria provided, single submitter. Criteria: GeneDx Variant Classification Process June 2021. Collection method: clinical testing. Allele origin: germline. Affected: yes.
Comment: In silico analysis, which includes protein predictors and evolutionary conservation, supports that this variant does not alter protein structure/function; Has not been previously published as pathogenic or benign to our knowledge

NM_001101426.4(CRPPA):c.304A>T (p.Met102Leu)

Gene: CRPPA (CDP-L-ribitol pyrophosphorylase A; minus strand). Cytogenetic location: 7p21.2.
Variant type: single nucleotide variant.
Coding change: c.304A>T on transcript NM_001101426.4 (MANE Select); coding-DNA position 304, A replaced by T.
Protein change: p.Met102Leu; replaces methionine 102 with leucine.
Molecular consequence: missense variant. On other transcripts: non-coding transcript variant (1).
Genome position (GRCh38, 1-based): chr7:16,406,291, T>A on the plus strand (A>T on the coding strand, the complement: CRPPA is on the minus strand). VCF-style: chr7-16406291-T-A. GRCh37 (hg19) VCF-style: chr7-16445916-T-A.
Other names: c.304A>T, p.Met102Leu (NM_001101417.4, NM_001368197.1); short protein forms M102L.
Identifiers: ClinVar variation 1306939 (VCV001306939.2), dbSNP rs763300192, ClinGen allele CA367002826.